The following is an entry in ClinVar:

ClinVar aggregate classification (germline): Uncertain significance (1 of 4 stars; one submission).

gnomAD v4.1: 2 of 1,612,588 alleles (0.00012%); highest among the groups gnomAD compares: Non-Finnish European, 0.00017%; no homozygotes.

Submission:

Dasa
Classification: Uncertain significance. Last evaluated: 2026-07-20. Review status: criteria provided, single submitter. Criteria: DASA Assertion Criteria. Collection method: clinical testing. Allele origin: germline.
Comment: NM_001041.4(SI):c.2018C>A (p.Ala673Glu) is a missense variant that results in the substitution of alanine with glutamic acid. This variant is rare in population databases. Computational prediction algorithms are consistent with a deleterious effect. The currently available literature and clinical evidence are not sufficient to establish a definitive association between this variant and the reported condition. Therefore, this variant is classified as a variant of uncertain significance.

NM_001041.4(SI):c.2018C>A (p.Ala673Glu)

Gene: SI (sucrase-isomaltase; minus strand). Cytogenetic location: 3q26.1.
Variant type: single nucleotide variant.
Coding change: c.2018C>A on transcript NM_001041.4 (MANE Select); coding-DNA position 2018, C replaced by A.
Protein change: p.Ala673Glu; replaces alanine 673 with glutamic acid.
Molecular consequence: missense variant.
Genome position (GRCh38, 1-based): chr3:165,041,081, G>T on the plus strand (C>A on the coding strand, the complement: SI is on the minus strand). VCF-style: chr3-165041081-G-T. GRCh37 (hg19) VCF-style: chr3-164758869-G-T.
Other names: short protein forms A673E.
Identifiers: ClinVar variation 5020175 (VCV005020175.1).